The following is an entry in ClinVar:

NM_004944.4(DNASE1L3):c.151C>T (p.Arg51Cys)

Gene: DNASE1L3 (deoxyribonuclease 1L3; minus strand). Cytogenetic location: 3p14.3.
Variant type: single nucleotide variant.
Coding change: c.151C>T on transcript NM_004944.4 (MANE Select); coding-DNA position 151, C replaced by T.
Protein change: p.Arg51Cys; replaces arginine 51 with cysteine.
Molecular consequence: missense variant.
Genome position (GRCh38, 1-based): chr3:58,208,297, G>A on the plus strand (C>T on the coding strand, the complement: DNASE1L3 is on the minus strand). VCF-style: chr3-58208297-G-A. GRCh37 (hg19) VCF-style: chr3-58194024-G-A.
Other names: c.151C>T, p.Arg51Cys (NM_001256560.2); short protein forms R51C.
Identifiers: ClinVar variation 1367366 (VCV001367366.4), dbSNP rs374713985, ClinGen allele CA2470104.

ClinVar aggregate classification (germline): Uncertain significance. Review status: criteria provided, multiple submitters, no conflicts (2 of 4 stars). 2 submissions from 2 submitters: Uncertain significance (2). Last evaluated 2022-07-19.

Conditions:
Autosomal systemic lupus erythematosus type 16. Also called: Systemic lupus erythematosus 16. Identifiers: Orphanet 300345, MedGen C3280742, MONDO:0013743, OMIM 614420.

Allele frequency attached by ClinVar (database versions not stated): gnomAD 0.00005 and 0.00007; gnomAD exomes 0.00005 and 0.00007; ExAC 0.00006; TOPMed 0.00006; ESP Exome Variant Server 0.00008.
gnomAD v4.1: 77 of 1,614,098 alleles (0.0048%); highest among the groups gnomAD compares: South Asian, 0.015%; no homozygotes.

Submissions (2):

Labcorp Genetics (formerly Invitae), Labcorp
Classification: Uncertain significance. Last evaluated: 2022-07-19. Review status: criteria provided, single submitter. Criteria: Invitae Variant Classification Sherloc (09022015). Collection method: clinical testing. Allele origin: germline.
Comment: This sequence change replaces arginine, which is basic and polar, with cysteine, which is neutral and slightly polar, at codon 51 of the DNASE1L3 protein (p.Arg51Cys). This variant is present in population databases (rs374713985, gnomAD 0.02%). This variant has not been reported in the literature in individuals affected with DNASE1L3-related conditions. ClinVar contains an entry for this variant (Variation ID: 1367366). Algorithms developed to predict the effect of missense changes on protein structure and function (SIFT, PolyPhen-2, Align-GVGD) all suggest that this variant is likely to be disruptive. In summary, the available evidence is currently insufficient to determine the role of this variant in disease. Therefore, it has been classified as a Variant of Uncertain Significance.

Fulgent Genetics
Classification: Uncertain significance for Autosomal systemic lupus erythematosus type 16. Last evaluated: 2022-01-13. Review status: criteria provided, single submitter. Criteria: ACMG Guidelines, 2015. Collection method: clinical testing. Allele origin: unknown.